The following is an entry in ClinVar:

NM_015909.4(NBAS):c.3719A>G (p.Asp1240Gly)

Gene: NBAS (NBAS subunit of NRZ tethering complex; minus strand). Cytogenetic location: 2p24.3.
Variant type: single nucleotide variant.
Coding change: c.3719A>G on transcript NM_015909.4 (MANE Select); coding-DNA position 3719, A replaced by G.
Protein change: p.Asp1240Gly; replaces aspartic acid 1240 with glycine.
Molecular consequence: missense variant. On other transcripts: non-coding transcript variant (1).
Genome position (GRCh38, 1-based): chr2:15,366,678, T>C on the plus strand (A>G on the coding strand, the complement: NBAS is on the minus strand). VCF-style: chr2-15366678-T-C. GRCh37 (hg19) VCF-style: chr2-15506802-T-C.
Other names: short protein forms D1240G.
Identifiers: ClinVar variation 4983026 (VCV004983026.1).

ClinVar aggregate classification (germline): Uncertain significance (1 of 4 stars; one submission).

Conditions:
NBAS-related disorder. Also called: NBAS-related condition.

gnomAD v4.1: 1 of 1,613,984 alleles (0.000062%); highest among the groups gnomAD compares: South Asian, 0.0011%; no homozygotes.

Submission:

PreventionGenetics, part of Exact Sciences
Classification: Uncertain significance for NBAS-related condition. Last evaluated: 2026-06-26. Review status: criteria provided, single submitter. Criteria: ACMG Guidelines, 2015. Collection method: clinical testing. Allele origin: germline.
Comment: The NBAS c.3719A>G variant is predicted to result in the amino acid substitution p.Asp1240Gly. To our knowledge, this variant has not been reported in the literature or in a large population database (gnomAD), indicating this variant is rare. At this time, the clinical significance of this variant is uncertain due to the absence of conclusive functional and genetic evidence.